The following is an entry in ClinVar:

ClinVar aggregate classification (germline): Benign (1 of 4 stars; one submission).

Conditions:
SYNM-related disorder. Also called: SYNM-related condition.

Allele frequency attached by ClinVar (database versions not stated): ExAC 0.00001; TOPMed 0.00002; gnomAD exomes 0.00003.
gnomAD v4.1: 46 of 1,613,898 alleles (0.0029%); highest among the groups gnomAD compares: Non-Finnish European, 0.0036%; no homozygotes.

Submission:

PreventionGenetics, part of Exact Sciences
Classification: Benign for SYNM-related condition. Last evaluated: 2019-10-17. Review status: criteria provided, single submitter. Criteria: ACMG Guidelines, 2015. Collection method: clinical testing. Allele origin: germline.
Comment: This variant is classified as benign based on ACMG/AMP sequence variant interpretation guidelines (Richards et al. 2015 PMID: 25741868, with internal and published modifications).

NM_145728.3(SYNM):c.1699C>T (p.Pro567Ser)

Gene: SYNM (synemin; plus strand). Cytogenetic location: 15q26.3.
Variant type: single nucleotide variant.
Coding change: c.1699C>T on transcript NM_145728.3 (MANE Select); coding-DNA position 1699, C replaced by T.
Protein change: p.Pro567Ser; replaces proline 567 with serine.
Molecular consequence: missense variant.
Genome position (GRCh38, 1-based): chr15:99,130,059, C>T. VCF-style: chr15-99130059-C-T. GRCh37 (hg19) VCF-style: chr15-99670264-C-T.
Other names: c.1699C>T, p.Pro567Ser (NM_015286.6); short protein forms P567S.
Identifiers: ClinVar variation 3034689 (VCV003034689.1), dbSNP rs782381550, ClinGen allele CA7753570.
Genomic context (GRCh38, chr15:99,130,059, plus strand): 5'-AAGGAAGCGAGACAGAGAGAAAGCCAGCAGATGAAGGAGAAGGCTAAGGAGAAGGACTCA[C>T]CGAAGGAGAAGAGCGTGCGAGAGAGAGAGGTGCCGATTAGTCTAGAAGTATCCCAGGACA-3'
Protein context (NP_663780.2, residues 557-577): MKEKAKEKDS[Pro567Ser]KEKSVREREV